The following is an entry in ClinVar:

NM_005609.4(PYGM):c.1768+1G>A

Gene: PYGM (glycogen phosphorylase, muscle associated; minus strand). Cytogenetic location: 11q13.1.
Variant type: single nucleotide variant.
Coding change: c.1768+1G>A on transcript NM_005609.4 (MANE Select); the canonical splice donor site of the intron after coding-DNA position 1768, G replaced by A.
Molecular consequence: splice donor variant.
Genome position (GRCh38, 1-based): chr11:64,751,923, C>T on the plus strand (G>A on the coding strand, the complement: PYGM is on the minus strand). VCF-style: chr11-64751923-C-T. GRCh37 (hg19) VCF-style: chr11-64519395-C-T.
Other names: IVS14, G-A, +1; c.1504+1G>A (NM_001164716.1).
Identifiers: ClinVar variation 194389 (VCV000194389.34), dbSNP rs771427957, ClinGen allele CA275011.

ClinVar aggregate classification (germline): Pathogenic/Likely pathogenic. Review status: criteria provided, multiple submitters, no conflicts (2 of 4 stars). 15 submissions from 15 submitters: Pathogenic (13); Likely pathogenic (1). 1 of the submissions does not count toward it. Last evaluated 2025-12-19.

Conditions:
PYGM-related disorder. Also called: PYGM-related condition.
Inborn genetic diseases. Identifiers: MedGen C0950123, MeSH D030342.
Glycogen storage disease, type V (GSD5). Also called: MCARDLE DISEASE; MUSCLE GLYCOGEN PHOSPHORYLASE DEFICIENCY; MYOPHOSPHORYLASE DEFICIENCY; McArdle type glycogen storage disease; PYGM DEFICIENCY. Identifiers: Orphanet 368, MedGen C0017924, MONDO:0009293, OMIM 232600.

Allele frequency attached by ClinVar (database versions not stated): TOPMed 0.00005; gnomAD 0.00006 and 0.00007; ExAC 0.00002; gnomAD exomes 0.00002 and 0.00003.
gnomAD v4.1: 48 of 1,614,004 alleles (0.003%); highest among the groups gnomAD compares: Non-Finnish European, 0.0028%; no homozygotes.

Submissions (15):

Women's Health and Genetics/Laboratory Corporation of America, LabCorp
Classification: Pathogenic for Glycogen storage disease, type V. Last evaluated: 2025-12-19. Review status: criteria provided, single submitter. Criteria: LabCorp Variant Classification Summary - May 2015. Collection method: clinical testing. Allele origin: germline.
Comment: Variant summary: PYGM c.1768+1G>A is located in a canonical splice-site and is predicted to affect mRNA splicing resulting in a significantly altered protein due to either exon skipping, shortening, or inclusion of intronic material. Variants that disrupt the consensus splice site are a relatively common cause of aberrant splicing and loss of PYGM function. Several computational tools predict a significant impact on normal splicing: Four predict the variant abolishes a 5' splicing donor site. The variant allele was found at a frequency of 2e-05 in 251324 control chromosomes. c.1768+1G>A has been observed in individual(s) affected with Glycogen Storage Disease, Type V. These data indicate that the variant is likely to be associated with disease. The following publications have been ascertained in the context of this evaluation (PMID: 8279469, 26913921, 34534370). ClinVar contains an entry for this variant (Variation ID: 194389). Based on the evidence outlined above, the variant was classified as pathogenic.

Labcorp Genetics (formerly Invitae), Labcorp
Classification: Pathogenic for Glycogen storage disease, type V. Last evaluated: 2025-08-04. Review status: criteria provided, single submitter. Criteria: Invitae Variant Classification Sherloc (09022015). Collection method: clinical testing. Allele origin: germline.
Comment: This sequence change affects a donor splice site in intron 14 of the PYGM gene. It is expected to disrupt RNA splicing. Variants that disrupt the donor or acceptor splice site typically lead to a loss of protein function (PMID: 16199547), and loss-of-function variants in PYGM are known to be pathogenic (PMID: 8316268, 16786513). This variant is present in population databases (rs771427957, gnomAD 0.02%). Disruption of this splice site has been observed in individuals with glycogen storage disease type V (GSD V), also known as McArdle disease (PMID: 8279469, 22250184, 30415384). ClinVar contains an entry for this variant (Variation ID: 194389). Algorithms developed to predict the effect of sequence changes on RNA splicing suggest that this variant may disrupt the consensus splice site. For these reasons, this variant has been classified as Pathogenic.

Dasa
Classification: Pathogenic. Last evaluated: 2025-07-30. Review status: criteria provided, single submitter. Criteria: DASA Assertion Criteria. Collection method: clinical testing. Allele origin: germline.
Comment: NM_005609.4(PYGM):c.1768+1G>A introduces a premature termination codon predicted to result in loss of normal protein function. Loss-of-function is an established mechanism of disease for this gene. This variant has been observed in affected individuals with related phenotype in a genotype context consistent with recessive disease (PMID: 8279469; PMID: 22250184; PMID: 30415384). This variant has been recurrently observed in individuals with related phenotype (PMID: 8279469; PMID: 22250184; PMID: 30415384). Segregation evidence has been reported in affected families. The variant is present at low frequency in population datasets. Based on the available data, this variant is classified as pathogenic.

Natera, Inc.
Classification: Pathogenic for Glycogen storage disease V. Last evaluated: 2025-04-22. Review status: criteria provided, single submitter. Criteria: Natera Variant Classification Schema (03/2026). Collection method: clinical testing. Allele origin: germline.
Comment: The c.1768+1G>A variant in PYGM is a canonical splice donor site variant predicted to affect pre-mRNA splicing, which may result in an abnormal transcript and altered protein product. This variant is expected to result in nonsense mediated decay, truncation, or a dysfunctional protein product. This variant is rare in the general population with a frequency below the threshold expected for the associated phenotype(s). This variant has been observed in one or more individuals affected with the associated recessive disease, as either homozygous or compound heterozygous with a second variant (PMID: 34534370). Given the available evidence, this variant is classified as Pathogenic.

PreventionGenetics, part of Exact Sciences
Classification: Pathogenic for PYGM-related condition. Last evaluated: 2025-02-08. Review status: criteria provided, single submitter. Criteria: ACMG Guidelines, 2015. Collection method: clinical testing. Allele origin: germline.
Comment: The PYGM c.1768+1G>A variant is predicted to disrupt the GT donor site and interfere with normal splicing. This variant has been reported with a second PYGM variant in several individuals with McArdle disease (Tsujino et al. 1994. PubMed ID: 8279469; Lorenzoni et al. 2018. PubMed ID: 30415384; Pizzamiglio et al. 2021. PubMed ID: 34534370). This variant is reported in 0.016% of alleles in individuals of European (Finnish) descent in gnomAD. Variants that disrupt the consensus splice donor site in PYGM are expected to be pathogenic. This variant is interpreted as pathogenic.

Blueprint Genetics
Classification: Pathogenic for PYGM-related disorders. Last evaluated: 2024-11-07. Review status: criteria provided, single submitter. Criteria: ACMG Guidelines, 2015. Collection method: clinical testing. Allele origin: germline. Affected: yes. Observed: 5 variant alleles.

Baylor Genetics
Classification: Pathogenic for Glycogen storage disease, type V. Last evaluated: 2024-02-21. Review status: criteria provided, single submitter. Criteria: ACMG Guidelines, 2015. Collection method: clinical testing. Allele origin: unknown.

GeneDx
Classification: Pathogenic. Last evaluated: 2023-06-29. Review status: criteria provided, single submitter. Criteria: GeneDx Variant Classification Process June 2021. Collection method: clinical testing. Allele origin: germline. Affected: yes.
Comment: Previously published in association with McArdle disease (Tsujino et al., 1994; Rubio et al., 2007).; Canonical splice site variant in a gene for which loss-of-function is a known mechanism of disease; Published functional studies demonstrate that the variant resulted in a truncated fragment that harbored a 67 base pair deletion (Tsujino et al., 1994); This variant is associated with the following publications: (PMID: 25914343, 26913921, 17221871, 34534370, 30415384, 31589614, 34276053, 8279469)

Revvity Omics, Revvity
Classification: Pathogenic for Glycogen storage disease, type V. Last evaluated: 2021-09-14. Review status: criteria provided, single submitter. Criteria: ACMG Guidelines, 2015. Collection method: clinical testing. Allele origin: germline.

Fulgent Genetics
Classification: Pathogenic for Glycogen storage disease, type V. Last evaluated: 2018-10-31. Review status: criteria provided, single submitter. Criteria: ACMG Guidelines, 2015. Collection method: clinical testing. Allele origin: unknown.

Ambry Genetics
Classification: Pathogenic for Inborn genetic diseases. Last evaluated: 2015-05-19. Review status: criteria provided, single submitter. Criteria: Ambry exome assertion method (8-5-2015). Collection method: clinical testing. Allele origin: germline. Affected: yes. Observed: 1 variant allele.

Eurofins Ntd Llc (ga)
Classification: Pathogenic. Last evaluated: 2014-12-03. Review status: criteria provided, single submitter. Criteria: EGL Classification Definitions 2015. Collection method: clinical testing. Allele origin: germline. Observed: 2 variant alleles, 2 heterozygotes.

Kasturba Medical College, Manipal, Kasturba Medical College, Manipal, Manipal Academy of Higher Education, Manipal, India
Classification: Likely pathogenic for Glycogen storage disease, type V. Review status: criteria provided, single submitter. Criteria: ACMG Guidelines, 2015. Collection method: research. Allele origin: inherited. Affected: yes.

Lifecell International Pvt. Ltd
Classification: Pathogenic for Glycogen storage disease, type V. Review status: criteria provided, single submitter. Criteria: ACMG Guidelines, 2015. Collection method: clinical testing. Allele origin: germline. Inheritance: Autosomal recessive inheritance. Affected: yes. Observed: 1 compound heterozygote.
Comment: A Heterozygous Splice site donor variant c.1768+1G>A in Exon 14 of the PYGM gene that results in the amino acid substitution was identified. The observed variant has allele frequency of 0.00002/0.00006% in gnomAD exomes and genomes, respectively. The severity of the impact of this variant on the protein is high, based on the effect of the protein and REVEL score . Rare Exome Variant Ensemble Learner (REVEL) is an ensembl method for predicting the pathogenicity of missense variants based on a combination of scores from 13 individual tools: MutPred, FATHMM v2.3, VEST 3.0, PolyPhen-2, SIFT, PROVEAN, MutationAssessor, MutationTaster, LRT, GERP++, SiPhy, phyloP, and phastCons. The REVEL score for an individual missense variant can range from 0 to 1, with higher scores reflecting greater likelihood that the variant is disease-causing. ClinVar has also classified this variant as Pathogenic/LikelyPathogenic (ClinVar ID: 194389). This sequence change affects a donor splice site in intron 14 of the PYGM gene. It is expected to disrupt RNA splicing. Variants that disrupt the donor or acceptor splice site typically lead to a loss of protein function (Baralle D et al., 2005). Disruption of this splice site has been observed in individuals with glycogen storage disease type V (GSD V), also known as McArdle disease (Lucia A et al., 2012 and Lorenzoni PJ et al., 2020). Based on the above evidence this variant has been classified as Pathogenic according to the ACMG guidelines.

OMIM
Classification: Pathogenic for MCARDLE DISEASE. Last evaluated: 1999-06-01. Review status: no assertion criteria provided. Collection method: literature only. Allele origin: germline. Not counted in ClinVar's aggregate classification.

Literature cited by the submitters: PubMed 34534370 (cited by Women's Health and Genetics/Laboratory Corporation of America, LabCorp and Natera, Inc.); PubMed 26913921 (cited by Women's Health and Genetics/Laboratory Corporation of America, LabCorp); PubMed 8279469 (cited by 4 submitters); PubMed 16199547 (cited by Labcorp Genetics (formerly Invitae), Labcorp); PubMed 8316268 (cited by Labcorp Genetics (formerly Invitae), Labcorp); PubMed 16786513 (cited by Labcorp Genetics (formerly Invitae), Labcorp); PubMed 22250184 (cited by 3 submitters); PubMed 30415384 (cited by 3 submitters); PubMed 9152836 (cited by OMIM); PubMed 2703328 (cited by OMIM); PubMed 10450796 (cited by OMIM).